The following is an entry in ClinVar:

NM_001277115.2(DNAH11):c.13223C>A (p.Ala4408Asp)

Gene: DNAH11 (dynein axonemal heavy chain 11; plus strand). Cytogenetic location: 7p15.3.
Variant type: single nucleotide variant.
Coding change: c.13223C>A on transcript NM_001277115.2 (MANE Select); coding-DNA position 13223, C replaced by A.
Protein change: p.Ala4408Asp; replaces alanine 4408 with aspartic acid.
Molecular consequence: missense variant.
Genome position (GRCh38, 1-based): chr7:21,900,040, C>A. VCF-style: chr7-21900040-C-A. GRCh37 (hg19) VCF-style: chr7-21939658-C-A.
Other names: short protein forms A4408D.
Identifiers: ClinVar variation 3636707 (VCV003636707.2).

ClinVar aggregate classification (germline): Uncertain significance (1 of 4 stars; one submission).

Conditions:
Primary ciliary dyskinesia. Also called: Ciliary dyskinesia. Identifiers: Orphanet 244, MedGen C0008780, MONDO:0016575, HP:0012265.

Submission:

Labcorp Genetics (formerly Invitae), Labcorp
Classification: Uncertain significance for Primary ciliary dyskinesia. Last evaluated: 2024-10-12. Review status: criteria provided, single submitter. Criteria: Invitae Variant Classification Sherloc (09022015). Collection method: clinical testing. Allele origin: germline.
Comment: This sequence change replaces alanine, which is neutral and non-polar, with aspartic acid, which is acidic and polar, at codon 4408 of the DNAH11 protein (p.Ala4408Asp). This variant is not present in population databases (gnomAD no frequency). This missense change has been observed in individual(s) with clinical features of primary ciliary dyskinesia (PMID: 31772028). Invitae Evidence Modeling of protein sequence and biophysical properties (such as structural, functional, and spatial information, amino acid conservation, physicochemical variation, residue mobility, and thermodynamic stability) indicates that this missense variant is not expected to disrupt DNAH11 protein function with a negative predictive value of 95%. In summary, the available evidence is currently insufficient to determine the role of this variant in disease. Therefore, it has been classified as a Variant of Uncertain Significance.

Literature cited by the submitters: PubMed 31772028.